The following is an entry in ClinVar:

NM_001079.4(ZAP70):c.1780C>G (p.Arg594Gly)

Gene: ZAP70 (zeta chain of T cell receptor associated protein kinase 70; plus strand). Cytogenetic location: 2q11.2.
Variant type: single nucleotide variant.
Coding change: c.1780C>G on transcript NM_001079.4 (MANE Select); coding-DNA position 1780, C replaced by G.
Protein change: p.Arg594Gly; replaces arginine 594 with glycine.
Molecular consequence: missense variant.
Genome position (GRCh38, 1-based): chr2:97,739,418, C>G. VCF-style: chr2-97739418-C-G. GRCh37 (hg19) VCF-style: chr2-98355881-C-G.
Other names: c.1780C>G, p.Arg594Gly (NM_001378594.1); c.859C>G, p.Arg287Gly (NM_207519.2); short protein forms R287G, R594G.
Identifiers: ClinVar variation 943975 (VCV000943975.9), dbSNP rs55724897, ClinGen allele CA347806405.

ClinVar aggregate classification (germline): Uncertain significance (1 of 4 stars; one submission).

Conditions:
Combined immunodeficiency due to ZAP70 deficiency (IMD48). Also called: Immunodeficiency 48; ZAP70 Deficiency. Identifiers: Orphanet 911, MedGen C2931299, MONDO:0010023, OMIM 269840.

Allele frequency attached by ClinVar (database versions not stated): gnomAD 0.00001.
gnomAD v4.1: 37 of 1,613,578 alleles (0.0023%); highest among the groups gnomAD compares: Non-Finnish European, 0.003%; no homozygotes.

Submission:

Labcorp Genetics (formerly Invitae), Labcorp
Classification: Uncertain significance for Combined immunodeficiency due to ZAP70 deficiency. Last evaluated: 2024-10-21. Review status: criteria provided, single submitter. Criteria: Invitae Variant Classification Sherloc (09022015). Collection method: clinical testing. Allele origin: germline.
Comment: This sequence change replaces arginine, which is basic and polar, with glycine, which is neutral and non-polar, at codon 594 of the ZAP70 protein (p.Arg594Gly). This variant is present in population databases (no rsID available, gnomAD 0.002%). This variant has not been reported in the literature in individuals affected with ZAP70-related conditions. ClinVar contains an entry for this variant (Variation ID: 943975). An algorithm developed to predict the effect of missense changes on protein structure and function (PolyPhen-2) suggests that this variant is likely to be disruptive. In summary, the available evidence is currently insufficient to determine the role of this variant in disease. Therefore, it has been classified as a Variant of Uncertain Significance.